The following is an entry in ClinVar:

NM_001042492.3(NF1):c.155_156del (p.Ser52fs)

Gene: NF1 (neurofibromin 1; plus strand). Cytogenetic location: 17q11.2.
Variant type: Deletion.
Coding change: c.155_156del on transcript NM_001042492.3 (MANE Select); coding-DNA positions 155 to 156, 2 bases deleted (CT; older notation c.155_156delCT).
Protein change: p.Ser52fs; shifts the reading frame from serine 52.
Molecular consequence: frameshift variant.
Genome position (GRCh38, 1-based): chr17:31,156,077-31,156,078, CT deleted; deleting any 2 consecutive bases within chr17:31,156,076-31,156,078 gives the same sequence; the c. name uses the placement nearest the transcript's 3' end. VCF-style (leftmost placement, unchanged base first): chr17-31156075-TTC-T. GRCh37 (hg19) VCF-style: chr17-29483093-TTC-T.
Other names: c.155_156del, p.Ser52fs (NM_000267.4, NM_001128147.3); short protein forms S52fs.
Identifiers: ClinVar variation 5025556 (VCV005025556.1).
Genomic context (GRCh38, chr17:31,156,075, plus strand): 5'-TACCAAAGTCAGTACTGAGCACAACAAGGAATGTCTAATCAATATTTCCAAATACAAGTT[TTC>T]TTTGGTTATAAGCGGCCTCACTACTATTTTAAAGAATGTTAACAATATGGTGAGTATTTG-3'

ClinVar aggregate classification (germline): Pathogenic (1 of 4 stars; one submission).

Conditions:
Cardiovascular phenotype. Identifiers: MedGen CN230736.
Hereditary cancer-predisposing syndrome. Also called: Neoplastic Syndromes, Hereditary; Tumor predisposition; Hereditary neoplastic syndrome; Hereditary Cancer Syndrome. Identifiers: Orphanet 140162, MedGen C0027672, MeSH D009386, MONDO:0015356.

Submission:

Ambry Genetics
Classification: Pathogenic for Cardiovascular phenotype; Hereditary cancer-predisposing syndrome. Last evaluated: 2026-07-20. Review status: criteria provided, single submitter. Criteria: Ambry Variant Classification Scheme 2023. Collection method: clinical testing. Allele origin: germline.
Comment: The c.155_156delCT pathogenic mutation, located in coding exon 2 of the NF1 gene, results from a deletion of two nucleotides at nucleotide positions 155 to 156, causing a translational frameshift with a predicted alternate stop codon (p.S52Ffs*14). This variant was reported in individual(s) with features consistent with neurofibromatosis type 1 (Ambry internal data). This variant is considered to be rare based on population cohorts in the Genome Aggregation Database (gnomAD). This alteration is expected to result in loss of function by premature protein truncation or nonsense-mediated mRNA decay. As such, this alteration is interpreted as a disease-causing mutation.